The following is an entry in ClinVar:

NM_001378183.1(PIEZO2):c.7604T>C (p.Phe2535Ser)

Gene: PIEZO2 (piezo type mechanosensitive ion channel component 2; minus strand). Cytogenetic location: 18p11.22.
Variant type: single nucleotide variant.
Coding change: c.7604T>C on transcript NM_001378183.1 (MANE Select); coding-DNA position 7604, T replaced by C.
Protein change: p.Phe2535Ser; replaces phenylalanine 2535 with serine.
Molecular consequence: missense variant.
Genome position (GRCh38, 1-based): chr18:10,682,186, A>G on the plus strand (T>C on the coding strand, the complement: PIEZO2 is on the minus strand). VCF-style: chr18-10682186-A-G. GRCh37 (hg19) VCF-style: chr18-10682183-A-G.
Other names: c.7340T>C, p.Phe2447Ser (NM_001410871.1); c.7265T>C, p.Phe2422Ser (NM_022068.4); short protein forms F2447S, F2422S, F2535S.
Identifiers: ClinVar variation 2585393 (VCV002585393.1), dbSNP rs2510238435, ClinGen allele CA401914978.
Genomic context (GRCh38, chr18:10,682,186, plus strand): 5'-GTGACGGAGACGTCCAGGGGCTGGTTGATGACCCCAGCCACAGATTTGATCAAAGACATG[A>G]AGAGAAGAGGAAACCAGACAATGCAGATGAGCAGGACGATGATCATTCCTCCCATGCCAT-3'
Protein context (NP_001365112.1, residues 2525-2545): LICIVWFPLL[Phe2535Ser]MSLIKSVAGV

ClinVar aggregate classification (germline): Uncertain significance (1 of 4 stars; one submission).

Conditions:
Marden-Walker syndrome (MWKS). Also called: Connective tissue disorder Marden Walker type. Identifiers: Orphanet 2461, MedGen C0796033, MONDO:0009564, OMIM 248700.

Submission:

Neuberg Centre For Genomic Medicine, NCGM
Classification: Uncertain significance for Marden-Walker syndrome. Review status: criteria provided, single submitter. Criteria: ACMG Guidelines, 2015. Collection method: clinical testing. Allele origin: germline. Inheritance: Autosomal dominant inheritance. Affected: yes.
Comment: The missense variant in c.7265T>C (p.Phe2422Ser) in PIEZO2 gene has not been reported previously as a pathogenic variant nor as a benign variant, to our knowledge. The p.Phe2422Ser variant is novel (not in any individuals) in gnomAD Exomes and 1000 Genomes. The amino acid Phe at position 2422 is changed to a Ser changing protein sequence and it might alter its composition and physico-chemical properties. The amino acid change p.Phe2422Ser in PIEZO2 is predicted as conserved by GERP++ and PhyloP across 100 vertebrates. The p.Phe2422Ser variant is novel (not in any individuals) in gnomAD Exomes and 1000 Genomes. For these reasons, this variant has been classified as Uncertain Significance.